The following is an entry in ClinVar:

NM_000231.3(SGCG):c.595C>T (p.Arg199Trp)

Gene: SGCG (sarcoglycan gamma; plus strand). Cytogenetic location: 13q12.12.
Variant type: single nucleotide variant.
Coding change: c.595C>T on transcript NM_000231.3 (MANE Select); coding-DNA position 595, C replaced by T.
Protein change: p.Arg199Trp; replaces arginine 199 with tryptophan.
Molecular consequence: missense variant.
Genome position (GRCh38, 1-based): chr13:23,320,653, C>T. VCF-style: chr13-23320653-C-T. GRCh37 (hg19) VCF-style: chr13-23894792-C-T.
Other names: c.649C>T, p.Arg217Trp (NM_001378244.1); c.595C>T, p.Arg199Trp (NM_001378245.1, NM_001378246.1); short protein forms R217W, R199W.
Identifiers: ClinVar variation 2072749 (VCV002072749.2), dbSNP rs1405454039, ClinGen allele CA387502493.
Genomic context (GRCh38, chr13:23,320,653, plus strand): 5'-AATACTTTTTTTTTTTTTTTTTGTGCTTCTTTTCCTCATCTCAGATTAGAATCCCCCACT[C>T]GGAGTCTAAGCATGGATGCCCCAAGGGGTGTGCATATTCAAGCTCACGCTGGGAAAATTG-3'
Protein context (NP_000222.2, residues 189-209): FQDLRLESPT[Arg199Trp]SLSMDAPRGV

ClinVar aggregate classification (germline): Uncertain significance. Review status: criteria provided, multiple submitters, no conflicts (2 of 4 stars). 2 submissions from 2 submitters: Uncertain significance (2). Last evaluated 2022-04-12.

Conditions:
Autosomal recessive limb-girdle muscular dystrophy type 2C (LGMDR5). Also called: MUSCULAR DYSTROPHY, LIMB-GIRDLE, AUTOSOMAL RECESSIVE 5; MUSCULAR DYSTROPHY, DUCHENNE-LIKE. Identifiers: Orphanet 353, MedGen C0410173, MONDO:0009677, OMIM 253700. Disease mechanism: Affects gamma-sarcoglycan and also disrupts the integrity of the entire sarcoglycan complex..

Allele frequency attached by ClinVar (database versions not stated): gnomAD exomes 0.00001.
gnomAD v4.1: 10 of 1,573,828 alleles (0.00064%); highest among the groups gnomAD compares: East Asian, 0.0046%; no homozygotes.

Submissions (2):

Labcorp Genetics (formerly Invitae), Labcorp
Classification: Uncertain significance for Autosomal recessive limb-girdle muscular dystrophy type 2C. Last evaluated: 2022-04-12. Review status: criteria provided, single submitter. Criteria: Invitae Variant Classification Sherloc (09022015). Collection method: clinical testing. Allele origin: germline.
Comment: This sequence change replaces arginine, which is basic and polar, with tryptophan, which is neutral and slightly polar, at codon 199 of the SGCG protein (p.Arg199Trp). This variant is not present in population databases (gnomAD no frequency). This variant has not been reported in the literature in individuals affected with SGCG-related conditions. Algorithms developed to predict the effect of missense changes on protein structure and function (SIFT, PolyPhen-2, Align-GVGD) all suggest that this variant is likely to be disruptive. In summary, the available evidence is currently insufficient to determine the role of this variant in disease. Therefore, it has been classified as a Variant of Uncertain Significance.

Kariminejad - Najmabadi Pathology & Genetics Center
Classification: Uncertain significance for Autosomal recessive limb-girdle muscular dystrophy type 2C. Last evaluated: 2017-06-03. Review status: criteria provided, single submitter. Criteria: ACMG Guidelines, 2015. Collection method: clinical testing. Allele origin: germline. Inheritance: Autosomal recessive inheritance. Affected: yes.
Comment: PM2,PM3_Supporting,PP3